The following is an entry in ClinVar:

ClinVar aggregate classification (germline): Pathogenic/Likely pathogenic. Review status: criteria provided, multiple submitters, no conflicts (2 of 4 stars). 3 submissions from 3 submitters: Pathogenic (2); Likely pathogenic (1). Last evaluated 2025-07-31.

Conditions:
Hereditary cancer-predisposing syndrome. Also called: Tumor predisposition; Hereditary Cancer Syndrome; Hereditary neoplastic syndrome; Neoplastic Syndromes, Hereditary. Identifiers: Orphanet 140162, MedGen C0027672, MeSH D009386, MONDO:0015356.
Hereditary breast ovarian cancer syndrome. Also called: Breast and ovarian cancer; Hereditary breast and/or ovarian cancer syndrome; BRCA1- and BRCA2-Associated Hereditary Breast and Ovarian Cancer; Hereditary breast and ovarian cancer syndrome; Hereditary breast and ovarian cancer syndrome (HBOC); Hereditary breast and ovarian cancer. Identifiers: Orphanet 145, MedGen C0677776, MeSH D061325, MONDO:0003582. Disease mechanism: loss of function.
Breast-ovarian cancer, familial, susceptibility to, 1 (BROVCA1). Also called: BRCA1 Hereditary Breast and Ovarian Cancer; OVARIAN CANCER, SUSCEPTIBILITY TO. Identifiers: Orphanet 145, MedGen C2676676, MONDO:0011450, OMIM 604370. Disease mechanism: loss of function.

Submissions (3):

Labcorp Genetics (formerly Invitae), Labcorp
Classification: Pathogenic for Hereditary breast ovarian cancer syndrome. Last evaluated: 2025-07-31. Review status: criteria provided, single submitter. Criteria: Invitae Variant Classification Sherloc (09022015). Collection method: clinical testing. Allele origin: germline.
Comment: This sequence change creates a premature translational stop signal (p.Leu28Argfs*3) in the BRCA1 gene. It is expected to result in an absent or disrupted protein product. Loss-of-function variants in BRCA1 are known to be pathogenic (PMID: 20104584). This variant is not present in population databases (gnomAD no frequency). This variant has not been reported in the literature in individuals affected with BRCA1-related conditions. ClinVar contains an entry for this variant (Variation ID: 482898). For these reasons, this variant has been classified as Pathogenic.

Ambry Genetics
Classification: Pathogenic for Hereditary cancer-predisposing syndrome. Last evaluated: 2022-12-13. Review status: criteria provided, single submitter. Criteria: Ambry Variant Classification Scheme 2023. Collection method: clinical testing. Allele origin: germline.
Comment: The c.83delT pathogenic mutation, located in coding exon 2 of the BRCA1 gene, results from a deletion of one nucleotide at nucleotide position 83, causing a translational frameshift with a predicted alternate stop codon (p.L28Rfs*3). This alteration is expected to result in loss of function by premature protein truncation or nonsense-mediated mRNA decay. As such, this alteration is interpreted as a disease-causing mutation.

Baylor Genetics
Classification: Likely pathogenic for Breast-ovarian cancer, familial, susceptibility to, 1. Last evaluated: 2022-02-21. Review status: criteria provided, single submitter. Criteria: ACMG Guidelines, 2015. Collection method: clinical testing. Allele origin: unknown.

Literature cited by the submitters: PubMed 20104584 (cited by Labcorp Genetics (formerly Invitae), Labcorp).

NM_007294.4(BRCA1):c.83del (p.Leu28fs)

Gene: BRCA1 (BRCA1 DNA repair associated; minus strand). Cytogenetic location: 17q21.31.
Variant type: Deletion.
Coding change: c.83del on transcript NM_007294.4 (MANE Select); coding-DNA position 83, one base deleted (T; older notation c.83delT).
Protein change: p.Leu28fs; shifts the reading frame from leucine 28.
Molecular consequence: frameshift variant. On other transcripts: non-coding transcript variant (1), intron variant (1).
Genome position (GRCh38, 1-based): chr17:43,115,777, A deleted on the plus strand (T on the coding strand, the reverse complement: BRCA1 is on the minus strand). VCF-style (leftmost placement, unchanged base first): chr17-43115776-CA-C. GRCh37 (hg19) VCF-style: chr17-41267793-CA-C.
Other names: c.83delT, p.Leu28Argfs (NM_001408397.1, NM_001408398.1, NM_001408399.1 and 190 more transcripts); c.-59delT (NM_001408410.1, NM_001408452.1, NM_001408453.1 and 47 more transcripts); c.-175delT (NM_001408455.1, NM_001408456.1, NM_001408468.1 and 13 more transcripts); c.-179delT (NM_001408465.1, NM_001407695.1); c.-106delT (NM_001408478.1, NM_001408479.1, NM_001408480.1 and 52 more transcripts); c.-222delT (NM_001408492.1, NM_001407889.1, NM_001407900.1); c.-221delT (NM_001408510.1, NM_001408512.1, NM_001407960.1 and 1 more transcripts); c.83del, p.Leu28fs (NM_007299.4, NM_007300.4); and 3 more; short protein forms L28fs.
Identifiers: ClinVar variation 482898 (VCV000482898.19), dbSNP rs1555599281, ClinGen allele CA658656690.